The following is an entry in ClinVar:

ClinVar aggregate classification (germline): Pathogenic. Review status: criteria provided, multiple submitters, no conflicts (2 of 4 stars). 2 submissions from 2 submitters: Pathogenic (2). Last evaluated 2025-02-19.

Conditions:
Familial adenomatous polyposis 4 (FAP4). Also called: MSH3-related attenuated familial adenomatous polyposis. Identifiers: Orphanet 480536, MedGen C4310719, MONDO:0044300, OMIM 617100.

Submissions (2):

Labcorp Genetics (formerly Invitae), Labcorp
Classification: Pathogenic. Last evaluated: 2025-02-19. Review status: criteria provided, single submitter. Criteria: Invitae Variant Classification Sherloc (09022015). Collection method: clinical testing. Allele origin: germline.
Comment: This sequence change creates a premature translational stop signal (p.Asp698Glyfs*2) in the MSH3 gene. It is expected to result in an absent or disrupted protein product. Loss-of-function variants in MSH3 are known to be pathogenic (PMID: 27476653, 37402566). This variant is not present in population databases (gnomAD no frequency). This variant has not been reported in the literature in individuals affected with MSH3-related conditions. ClinVar contains an entry for this variant (Variation ID: 2583852). For these reasons, this variant has been classified as Pathogenic.

Myriad Genetics, Inc.
Classification: Pathogenic for Familial adenomatous polyposis 4. Last evaluated: 2023-06-22. Review status: criteria provided, single submitter. Criteria: Myriad Autosomal Dominant, Autosomal Recessive and X-Linked Classification Criteria (2023). Collection method: clinical testing. Allele origin: unknown.
Comment: This variant is considered pathogenic. This variant creates a frameshift predicted to result in premature protein truncation.

Literature cited by the submitters: PubMed 27476653 (cited by Labcorp Genetics (formerly Invitae), Labcorp); PubMed 37402566 (cited by Labcorp Genetics (formerly Invitae), Labcorp).

NM_002439.5(MSH3):c.2092dup (p.Asp698fs)

Gene: MSH3 (mutS homolog 3; plus strand). Cytogenetic location: 5q14.1.
Variant type: Duplication.
Coding change: c.2092dup on transcript NM_002439.5 (MANE Select); coding-DNA position 2092, one base duplicated (G; older notation c.2092dupG).
Protein change: p.Asp698fs; shifts the reading frame from aspartic acid 698.
Molecular consequence: frameshift variant.
Genome position (GRCh38, 1-based): chr5:80,768,842, G duplicated; the last of 4 consecutive G bases (chr5:80,768,839-80,768,842); duplicating any one gives the same sequence. VCF-style (leftmost placement, unchanged base first): chr5-80768838-T-TG. GRCh37 (hg19) VCF-style: chr5-80064657-T-TG.
Other names: short protein forms D698fs.
Identifiers: ClinVar variation 2583852 (VCV002583852.3), dbSNP rs2546774170, ClinGen allele CA2582341588.
Genomic context (GRCh38, chr5:80,768,838, plus strand): 5'-GATAACTGCTGTAATTAATAAACTTCGAATATGTATTTGCATGTTTTGATTTTTTAGAGT[T>TG]GGGGATAAAACTGAATTATTTAAAGACCTTTCTGACTTCCCTTTAATAAAAAAGAGGAAG-3'